The following is an entry in ClinVar:

ClinVar aggregate classification (germline): Uncertain significance (1 of 4 stars; one submission).

Conditions:
Brachyolmia-amelogenesis imperfecta syndrome. Also called: Tooth agenesis, selective, 6; Dental anomalies and short stature; PLATYSPONDYLY WITH AMELOGENESIS IMPERFECTA. Identifiers: Orphanet 2899, MedGen C1832594, MONDO:0011018, OMIM 601216. Disease mechanism: loss of function.

gnomAD v4.1: 3 of 1,565,628 alleles (0.00019%); highest among the groups gnomAD compares: Non-Finnish European, 0.00017%; no homozygotes.

Submission:

Labcorp Genetics (formerly Invitae), Labcorp
Classification: Uncertain significance for Brachyolmia-amelogenesis imperfecta syndrome. Last evaluated: 2025-02-09. Review status: criteria provided, single submitter. Criteria: Invitae Variant Classification Sherloc (09022015). Collection method: clinical testing. Allele origin: germline.
Comment: This sequence change replaces aspartic acid, which is acidic and polar, with asparagine, which is neutral and polar, at codon 1212 of the LTBP3 protein (p.Asp1212Asn). This variant is not present in population databases (gnomAD no frequency). This variant has not been reported in the literature in individuals affected with LTBP3-related conditions. An algorithm developed to predict the effect of missense changes on protein structure and function (PolyPhen-2) suggests that this variant is likely to be disruptive. In summary, the available evidence is currently insufficient to determine the role of this variant in disease. Therefore, it has been classified as a Variant of Uncertain Significance.

NM_001130144.3(LTBP3):c.3634G>A (p.Asp1212Asn)

Gene: LTBP3 (latent transforming growth factor beta binding protein 3; minus strand). Cytogenetic location: 11q13.1.
Variant type: single nucleotide variant.
Coding change: c.3634G>A on transcript NM_001130144.3 (MANE Select); coding-DNA position 3634, G replaced by A.
Protein change: p.Asp1212Asn; replaces aspartic acid 1212 with asparagine.
Molecular consequence: missense variant.
Genome position (GRCh38, 1-based): chr11:65,539,454, C>T on the plus strand (G>A on the coding strand, the complement: LTBP3 is on the minus strand). VCF-style: chr11-65539454-C-T. GRCh37 (hg19) VCF-style: chr11-65306925-C-T.
Other names: c.3142G>A, p.Asp1048Asn (NM_001164266.1); c.3493G>A, p.Asp1165Asn (NM_021070.4); short protein forms D1048N, D1165N, D1212N.
Identifiers: ClinVar variation 4777574 (VCV004777574.1).